The following is an entry in ClinVar:

ClinVar aggregate classification (germline): Benign/Likely benign. Review status: criteria provided, multiple submitters, no conflicts (2 of 4 stars). 5 submissions from 5 submitters: Benign (1); Likely benign (4). Last evaluated 2026-05-01.

Conditions:
Cardiovascular phenotype. Identifiers: MedGen CN230736.
Dilated cardiomyopathy 1AA (CMD1AA). Also called: CARDIOMYOPATHY, DILATED, 1AA, WITH OR WITHOUT LEFT VENTRICULAR NONCOMPACTION; CARDIOMYOPATHY, FAMILIAL HYPERTROPHIC, 23, WITH OR WITHOUT LEFT VENTRICULAR NONCOMPACTION; Cardiomyopathy, dilated, 1AA, with or without LVNC. Identifiers: Orphanet 154, MedGen C2677338, MONDO:0012808, OMIM 612158.
Primary familial hypertrophic cardiomyopathy (HCM). Identifiers: Orphanet 99739, MedGen C0949658, MeSH D024741, MONDO:0024573. Inheritance: Various modes of inheritance.

Allele frequency attached by ClinVar (database versions not stated): gnomAD exomes 0.00004 and 0.00002; TOPMed 0.00014; gnomAD 0.00019; ESP Exome Variant Server 0.00031; ExAC 0.00007.
gnomAD v4.1: 62 of 1,614,058 alleles (0.0038%); highest among the groups gnomAD compares: African/African-American, 0.063%; no homozygotes.

Submissions (5):

Women's Health and Genetics/Laboratory Corporation of America, LabCorp
Classification: Benign. Last evaluated: 2026-05-01. Review status: criteria provided, single submitter. Criteria: LabCorp Variant Classification Summary - May 2015. Collection method: clinical testing. Allele origin: germline.

Labcorp Genetics (formerly Invitae), Labcorp
Classification: Likely benign for Primary familial hypertrophic cardiomyopathy; Dilated cardiomyopathy 1AA. Last evaluated: 2026-01-27. Review status: criteria provided, single submitter. Criteria: Invitae Variant Classification Sherloc (09022015). Collection method: clinical testing. Allele origin: germline.

Mayo Clinic Laboratories, Mayo Clinic
Classification: Likely benign. Last evaluated: 2025-09-18. Review status: criteria provided, single submitter. Criteria: ACMG Guidelines, 2015. Collection method: clinical testing. Allele origin: germline. Observed: 2 variant alleles.
Comment: BS1, BP4, BP7

Ambry Genetics
Classification: Likely benign for Cardiovascular phenotype. Last evaluated: 2019-07-22. Review status: criteria provided, single submitter. Criteria: Ambry Variant Classification Scheme 2023. Collection method: clinical testing. Allele origin: germline.

GeneDx
Classification: Likely benign. Last evaluated: 2018-11-05. Review status: criteria provided, single submitter. Criteria: GeneDx Variant Classification Process June 2021. Collection method: clinical testing. Allele origin: germline. Affected: yes.

NM_001103.4(ACTN2):c.1293G>A (p.Ser431=)

Gene: ACTN2 (actinin alpha 2; plus strand). Cytogenetic location: 1q43.
Variant type: single nucleotide variant.
Coding change: c.1293G>A on transcript NM_001103.4 (MANE Select); coding-DNA position 1293, G replaced by A.
Protein change: p.Ser431=; no amino-acid change (serine 431 retained).
Molecular consequence: synonymous variant.
Genome position (GRCh38, 1-based): chr1:236,744,663, G>A. VCF-style: chr1-236744663-G-A. GRCh37 (hg19) VCF-style: chr1-236907963-G-A.
Other names: p.Ser431=; c.1293G>A, p.Ser431= (NM_001278343.2); c.669G>A, p.Ser223= (NM_001278344.2).
Identifiers: ClinVar variation 387397 (VCV000387397.17), dbSNP rs144819985, ClinGen allele CA1473112.